The following is an entry in ClinVar:

ClinVar aggregate classification (germline): Likely benign. Review status: criteria provided, single submitter (1 of 4 stars). 2 submissions from 2 submitters: Likely benign (1). 1 of the submissions does not count toward it. Last evaluated 2022-09-13.

Conditions:
Nephronophthisis. Also called: Juvenile Nephronophthisis. Identifiers: Orphanet 655, MedGen C0687120, MONDO:0019005, HP:0000090.
NPHP4-related disorder. Also called: NPHP4-related condition; NPHP4-related disorders. Identifiers: MedGen CN239384.

Allele frequency attached by ClinVar (database versions not stated): gnomAD exomes 0.00001 and 0.00003; ExAC 0.00002; TOPMed 0.00001.
gnomAD v4.1: 13 of 1,611,948 alleles (0.00081%); highest among the groups gnomAD compares: East Asian, 0.02%; no homozygotes.

Submissions (2):

Labcorp Genetics (formerly Invitae), Labcorp
Classification: Likely benign for Nephronophthisis. Last evaluated: 2022-09-13. Review status: criteria provided, single submitter. Criteria: Invitae Variant Classification Sherloc (09022015). Collection method: clinical testing. Allele origin: germline.

PreventionGenetics, part of Exact Sciences
Classification: Likely benign for NPHP4-related condition. Last evaluated: 2023-05-02. Review status: no assertion criteria provided. Collection method: clinical testing. Allele origin: germline. Not counted in ClinVar's aggregate classification.
Comment: This variant is classified as likely benign based on ACMG/AMP sequence variant interpretation guidelines (Richards et al. 2015 PMID: 25741868, with internal and published modifications).

NM_015102.5(NPHP4):c.1815C>T (p.Gly605=)

Gene: NPHP4 (nephrocystin 4; minus strand). Cytogenetic location: 1p36.31.
Variant type: single nucleotide variant.
Coding change: c.1815C>T on transcript NM_015102.5 (MANE Select); coding-DNA position 1815, C replaced by T.
Protein change: p.Gly605=; no amino-acid change (glycine 605 retained).
Molecular consequence: synonymous variant. On other transcripts: non-coding transcript variant (1).
Genome position (GRCh38, 1-based): chr1:5,905,432, G>A on the plus strand (C>T on the coding strand, the complement: NPHP4 is on the minus strand). VCF-style: chr1-5905432-G-A. GRCh37 (hg19) VCF-style: chr1-5965492-G-A.
Other names: c.276C>T, p.Gly92= (NM_001291593.2); c.279C>T, p.Gly93= (NM_001291594.2); c.1815C>T (NM_015102.4).
Identifiers: ClinVar variation 1087027 (VCV001087027.11), dbSNP rs748315715, ClinGen allele CA554357.